The following is an entry in ClinVar:

ClinVar aggregate classification (germline): Uncertain significance. Review status: criteria provided, multiple submitters, no conflicts (2 of 4 stars). 3 submissions from 3 submitters: Uncertain significance (3). Last evaluated 2025-06-28.

Conditions:
Shprintzen-Goldberg syndrome (SGS). Also called: CRANIOSYNOSTOSIS WITH ARACHNODACTYLY AND ABDOMINAL HERNIAS; Marfanoid disorder with craniosynostosis type 1; Marfanoid craniosynostosis syndrome; Shprintzen-Goldberg marfanoid syndrome; SHPRINTZEN-GOLDBERG CRANIOSYNOSTOSIS SYNDROME. Identifiers: Orphanet 2462, MedGen C1321551, MONDO:0008426, OMIM 182212.
Familial thoracic aortic aneurysm and aortic dissection (TAAD). Also called: Thoracic aortic aneurysms and dissections. Identifiers: Orphanet 91387, MedGen C4707243, MONDO:0019625.

Allele frequency attached by ClinVar (database versions not stated): gnomAD 0.00003.
gnomAD v4.1: 22 of 1,598,510 alleles (0.0014%); highest among the groups gnomAD compares: East Asian, 0.0023%; no homozygotes.

Submissions (3):

Ambry Genetics
Classification: Uncertain significance for Familial thoracic aortic aneurysm and aortic dissection. Last evaluated: 2025-06-28. Review status: criteria provided, single submitter. Criteria: Ambry Variant Classification Scheme 2023. Collection method: clinical testing. Allele origin: germline.
Comment: The p.P198L variant (also known as c.593C>T), located in coding exon 1 of the SKI gene, results from a C to T substitution at nucleotide position 593. The proline at codon 198 is replaced by leucine, an amino acid with similar properties. This amino acid position is not well conserved in available vertebrate species. In addition, the in silico prediction for this alteration is inconclusive. Since supporting evidence is limited at this time, the clinical significance of this alteration remains unclear.

Labcorp Genetics (formerly Invitae), Labcorp
Classification: Uncertain significance for Shprintzen-Goldberg syndrome. Last evaluated: 2022-05-18. Review status: criteria provided, single submitter. Criteria: Invitae Variant Classification Sherloc (09022015). Collection method: clinical testing. Allele origin: germline.
Comment: In summary, the available evidence is currently insufficient to determine the role of this variant in disease. Therefore, it has been classified as a Variant of Uncertain Significance. Advanced modeling of protein sequence and biophysical properties (such as structural, functional, and spatial information, amino acid conservation, physicochemical variation, residue mobility, and thermodynamic stability) performed at Invitae indicates that this missense variant is not expected to disrupt SKI protein function. ClinVar contains an entry for this variant (Variation ID: 520171). This variant has not been reported in the literature in individuals affected with SKI-related conditions. This sequence change replaces proline, which is neutral and non-polar, with leucine, which is neutral and non-polar, at codon 198 of the SKI protein (p.Pro198Leu). This variant is present in population databases (no rsID available, gnomAD 0.0009%).

GeneDx
Classification: Uncertain significance. Last evaluated: 2020-07-13. Review status: criteria provided, single submitter. Criteria: GeneDx Variant Classification Process June 2021. Collection method: clinical testing. Allele origin: germline. Affected: yes.
Comment: Has not been previously published as pathogenic or benign to our knowledge; Reported in ClinVar as a variant of uncertain significance (ClinVar Variant ID# 520171; Landrum et al., 2016); Not observed at a significant frequency in large population cohorts (Lek et al., 2016); In silico analysis supports that this missense variant has a deleterious effect on protein structure/function

NM_003036.4(SKI):c.593C>T (p.Pro198Leu)

Gene: SKI (SKI proto-oncogene; plus strand). Cytogenetic location: 1p36.33.
Variant type: single nucleotide variant.
Coding change: c.593C>T on transcript NM_003036.4 (MANE Select); coding-DNA position 593, C replaced by T.
Protein change: p.Pro198Leu; replaces proline 198 with leucine.
Molecular consequence: missense variant.
Genome position (GRCh38, 1-based): chr1:2,229,359, C>T. VCF-style: chr1-2229359-C-T. GRCh37 (hg19) VCF-style: chr1-2160798-C-T.
Other names: short protein forms P198L.
Identifiers: ClinVar variation 520171 (VCV000520171.13), dbSNP rs1371410513, ClinGen allele CA337954259.